The following is an entry in ClinVar:

ClinVar aggregate classification (germline): Likely benign (1 of 4 stars; one submission).

Allele frequency attached by ClinVar (database versions not stated): gnomAD exomes below 0.00001.
gnomAD v4.1: 2 of 1,614,104 alleles (0.00012%); highest among the groups gnomAD compares: Non-Finnish European, 0.00017%; no homozygotes.

Submission:

CeGaT Center for Human Genetics Tuebingen
Classification: Likely benign. Last evaluated: 2022-09-01. Review status: criteria provided, single submitter. Criteria: CeGaT Center For Human Genetics Tuebingen Variant Classification Criteria Version 2. Collection method: clinical testing. Allele origin: germline. Affected: yes. Observed: 1 variant allele.
Comment: PRAG1: PM2:Supporting, BP4, BP7

NM_001080826.3(PRAG1):c.495C>T (p.His165=)

Gene: PRAG1 (PEAK1 related, kinase-activating pseudokinase 1). Cytogenetic location: 8p23.1.
Variant type: single nucleotide variant.
Coding change: c.495C>T on transcript NM_001080826.3 (MANE Select); coding-DNA position 495, C replaced by T.
Protein change: p.His165=; no amino-acid change (histidine 165 retained).
Molecular consequence: synonymous variant. On other transcripts: non-coding transcript variant (1).
Genome position (GRCh38, 1-based): chr8:8,377,914, G>A on the plus strand (C>T on the coding strand, the complement: PRAG1 is on the minus strand). VCF-style: chr8-8377914-G-A. GRCh37 (hg19) VCF-style: chr8-8235424-G-A.
Other names: c.495C>T, p.His165= (NM_001369759.1).
Identifiers: ClinVar variation 2658372 (VCV002658372.24), dbSNP rs2486354195, ClinGen allele CA459611101.
Genomic context (GRCh38, chr8:8,377,914, plus strand): 5'-CTCCTCCGGGAAGCTCACCGGGTGGAAGGCAATGTTCCTCTCGCCGCGGGGCTCAAGGTT[G>A]TGCAGGCCGACCATGGTGTAAGCTGGGGGACAGCGAGAATTGCCATCAGGGGAGGTAGAG-3'
Protein context (NP_001074295.2, residues 155-175): CPPAYTMVGL[His165=]NLEPRGERNI